The following is an entry in ClinVar:

NM_000329.3(RPE65):c.1496C>T (p.Pro499Leu)

Gene: RPE65 (retinoid isomerohydrolase RPE65; minus strand). Cytogenetic location: 1p31.3.
Variant type: single nucleotide variant.
Coding change: c.1496C>T on transcript NM_000329.3 (MANE Select); coding-DNA position 1496, C replaced by T.
Protein change: p.Pro499Leu; replaces proline 499 with leucine.
Molecular consequence: missense variant.
Genome position (GRCh38, 1-based): chr1:68,429,882, G>A on the plus strand (C>T on the coding strand, the complement: RPE65 is on the minus strand). VCF-style: chr1-68429882-G-A. GRCh37 (hg19) VCF-style: chr1-68895565-G-A.
Other names: short protein forms P499L.
Identifiers: ClinVar variation 596679 (VCV000596679.9), dbSNP rs1557595139, ClinGen allele CA340741271.
Genomic context (GRCh38, chr1:68,429,882, plus strand): 5'-TCCACTTCAGCCCGGGCAACTTCACTTAAGTCCTTGGCATTCAGAATCAGGAGATAAGCA[G>A]GCTTTTGTCCTGCTCCTGGGCTCACCACCACACTCAGAACTACACCTGTTTATCAGAAGT-3'
Protein context (NP_000320.1, residues 489-509): VVVSPGAGQK[Pro499Leu]AYLLILNAKD

ClinVar aggregate classification (germline): Uncertain significance. Review status: criteria provided, multiple submitters, no conflicts (2 of 4 stars). 2 submissions from 2 submitters: Uncertain significance (2). Last evaluated 2022-09-20.

Conditions:
Leber congenital amaurosis 2 (LCA2). Also called: Autosomal Recessive RPE65-Related Retinal Degeneration; AMAUROSIS CONGENITA OF LEBER II. Identifiers: Orphanet 65, MedGen C1859844, MONDO:0008765, OMIM 204100. Disease mechanism: loss of function.
Retinitis pigmentosa 20 (RP20). Identifiers: Orphanet 791, MedGen C3151086, MONDO:0013425, OMIM 613794.

Allele frequency attached by ClinVar (database versions not stated): TOPMed below 0.00001.

Submissions (2):

Labcorp Genetics (formerly Invitae), Labcorp
Classification: Uncertain significance for Leber congenital amaurosis 2; Retinitis pigmentosa 20. Last evaluated: 2022-09-20. Review status: criteria provided, single submitter. Criteria: Invitae Variant Classification Sherloc (09022015). Collection method: clinical testing. Allele origin: germline.
Comment: In summary, the available evidence is currently insufficient to determine the role of this variant in disease. Therefore, it has been classified as a Variant of Uncertain Significance. Advanced modeling of protein sequence and biophysical properties (such as structural, functional, and spatial information, amino acid conservation, physicochemical variation, residue mobility, and thermodynamic stability) performed at Invitae indicates that this missense variant is not expected to disrupt RPE65 protein function. ClinVar contains an entry for this variant (Variation ID: 596679). This missense change has been observed in individual(s) with clinical features of autosomal recessive RPE65 conditions (Invitae). This variant is not present in population databases (gnomAD no frequency). This sequence change replaces proline, which is neutral and non-polar, with leucine, which is neutral and non-polar, at codon 499 of the RPE65 protein (p.Pro499Leu).

Eurofins Ntd Llc (ga)
Classification: Uncertain significance. Last evaluated: 2018-04-10. Review status: criteria provided, single submitter. Criteria: EGL ClinVar v180209 classification definitions. Collection method: clinical testing. Allele origin: germline. Observed: 1 variant allele, 1 homozygote.